The following is an entry in ClinVar:

NM_005529.7(HSPG2):c.253C>T (p.Arg85Ter)

Gene: HSPG2 (heparan sulfate proteoglycan 2; minus strand). Cytogenetic location: 1p36.12.
Variant type: single nucleotide variant.
Coding change: c.253C>T on transcript NM_005529.7 (MANE Select); coding-DNA position 253, C replaced by T.
Protein change: p.Arg85Ter; replaces arginine 85 with a stop codon.
Molecular consequence: nonsense.
Genome position (GRCh38, 1-based): chr1:21,890,686, G>A on the plus strand (C>T on the coding strand, the complement: HSPG2 is on the minus strand). VCF-style: chr1-21890686-G-A. GRCh37 (hg19) VCF-style: chr1-22217179-G-A.
Other names: c.253C>T, p.Arg85Ter (NM_001291860.2); c.253C>T (NM_005529.6); short protein forms R85*.
Identifiers: ClinVar variation 1323077 (VCV001323077.6), dbSNP rs747493127, ClinGen allele CA673952.

ClinVar aggregate classification (germline): Pathogenic/Likely pathogenic. Review status: criteria provided, multiple submitters, no conflicts (2 of 4 stars). 2 submissions from 2 submitters: Pathogenic (1); Likely pathogenic (1). Last evaluated 2026-06-22.

Conditions:
HSPG2-related disorder. Also called: HSPG2-related condition; HSPG2-related disorders.

Allele frequency attached by ClinVar (database versions not stated): gnomAD exomes below 0.00001 and 0.00001; ExAC 0.00001; gnomAD 0.00001; TOPMed 0.00002.
gnomAD v4.1: 7 of 1,612,214 alleles (0.00043%); highest among the groups gnomAD compares: Admixed American, 0.0083%; no homozygotes.

Submissions (2):

PreventionGenetics, part of Exact Sciences
Classification: Likely pathogenic for HSPG2-related condition. Last evaluated: 2026-06-22. Review status: criteria provided, single submitter. Criteria: ACMG Guidelines, 2015. Collection method: clinical testing. Allele origin: germline.
Comment: The HSPG2 c.253C>T variant is predicted to result in premature protein termination (p.Arg85*). This variant has been reported in individuals with autism spectrum disorder (Fu et al., 2022, PubMed ID: 35982160; Zhou et al., 2022, PubMed ID: 35982159); however, it has not been reported in individuals with HSPG2-related skeletal conditions. This variant is reported in 0.0087% of alleles in individuals of Latino descent in gnomAD. Nonsense variants in HSPG2 are expected to be pathogenic. This variant is interpreted as likely pathogenic.

Revvity Omics, Revvity
Classification: Pathogenic. Last evaluated: 2019-07-03. Review status: criteria provided, single submitter. Criteria: ACMG Guidelines, 2015. Collection method: clinical testing. Allele origin: germline.